The following is an entry in ClinVar:

ClinVar aggregate classification (germline): Uncertain significance. Review status: criteria provided, multiple submitters, no conflicts (2 of 4 stars). 2 submissions from 2 submitters: Uncertain significance (2). Last evaluated 2026-03-01.

Conditions:
Osteogenesis imperfecta type I (OI1). Also called: OI, TYPE I; OSTEOGENESIS IMPERFECTA TARDA; OSTEOGENESIS IMPERFECTA WITH BLUE SCLERAE; Osteogenesis imperfecta type 1; Classic Non-deforming Osteogenesis Imperfecta with Blue Sclerae; Lobstein's Disease. Identifiers: Orphanet 216796, Orphanet 666, MedGen C0023931, MONDO:0008146, OMIM 166200. Disease mechanism: loss of function.

gnomAD v4.1: 4 of 1,613,408 alleles (0.00025%); highest among the groups gnomAD compares: South Asian, 0.0011%; no homozygotes.

Submissions (2):

CeGaT Center for Human Genetics Tuebingen
Classification: Uncertain significance. Last evaluated: 2026-03-01. Review status: criteria provided, single submitter. Criteria: CeGaT Center For Human Genetics Tuebingen Variant Classification Criteria Version 2. Collection method: clinical testing. Allele origin: germline. Affected: yes. Observed: 1 variant allele.

Labcorp Genetics (formerly Invitae), Labcorp
Classification: Uncertain significance for Osteogenesis imperfecta type I. Last evaluated: 2025-02-24. Review status: criteria provided, single submitter. Criteria: Invitae Variant Classification Sherloc (09022015). Collection method: clinical testing. Allele origin: germline.
Comment: This sequence change replaces proline, which is neutral and non-polar, with threonine, which is neutral and polar, at codon 417 of the COL1A1 protein (p.Pro417Thr). This variant is not present in population databases (gnomAD no frequency). This variant has not been reported in the literature in individuals affected with COL1A1-related conditions. Invitae Evidence Modeling of protein sequence and biophysical properties (such as structural, functional, and spatial information, amino acid conservation, physicochemical variation, residue mobility, and thermodynamic stability) has been performed for this missense variant. However, the output from this modeling did not meet the statistical confidence thresholds required to predict the impact of this variant on COL1A1 protein function. In summary, the available evidence is currently insufficient to determine the role of this variant in disease. Therefore, it has been classified as a Variant of Uncertain Significance.

NM_000088.4(COL1A1):c.1249C>A (p.Pro417Thr)

Gene: COL1A1 (collagen type I alpha 1 chain; minus strand). Cytogenetic location: 17q21.33.
Variant type: single nucleotide variant.
Coding change: c.1249C>A on transcript NM_000088.4 (MANE Select); coding-DNA position 1249, C replaced by A.
Protein change: p.Pro417Thr; replaces proline 417 with threonine.
Molecular consequence: missense variant.
Genome position (GRCh38, 1-based): chr17:50,195,282, G>T on the plus strand (C>A on the coding strand, the complement: COL1A1 is on the minus strand). VCF-style: chr17-50195282-G-T. GRCh37 (hg19) VCF-style: chr17-48272643-G-T.
Other names: short protein forms P417T.
Identifiers: ClinVar variation 4743504 (VCV004743504.5).